The following is an entry in ClinVar:

NM_139076.3(ABRAXAS1):c.997C>G (p.Pro333Ala)

Gene: ABRAXAS1 (abraxas 1, BRCA1 A complex subunit; minus strand). Cytogenetic location: 4q21.23.
Variant type: single nucleotide variant.
Coding change: c.997C>G on transcript NM_139076.3 (MANE Select); coding-DNA position 997, C replaced by G.
Protein change: p.Pro333Ala; replaces proline 333 with alanine.
Molecular consequence: missense variant.
Genome position (GRCh38, 1-based): chr4:83,462,702, G>C on the plus strand (C>G on the coding strand, the complement: ABRAXAS1 is on the minus strand). VCF-style: chr4-83462702-G-C. GRCh37 (hg19) VCF-style: chr4-84383855-G-C.
Other names: c.670C>G, p.Pro224Ala (NM_001345962.2); short protein forms P224A, P333A.
Identifiers: ClinVar variation 1799967 (VCV001799967.2), dbSNP rs2529418558, ClinGen allele CA357255568.
Genomic context (GRCh38, chr4:83,462,702, plus strand): 5'-CATCTAAGTCTAAGGCTTTATGCTTAATGATTTGTGGTGTACTAGCTGGACTAGCTTCAG[G>C]AATGTCAGTGTGTTCTACCATTAAGGTCAGATTGTCTACTACATCGAGATGGTGGTTGTA-3'
Protein context (NP_620775.2, residues 323-343): LTLMVEHTDI[Pro333Ala]EASPASTPQI

ClinVar aggregate classification (germline): Uncertain significance (1 of 4 stars; one submission).

Submission:

Ambry Genetics
Classification: Uncertain significance. Last evaluated: 2022-09-30. Review status: criteria provided, single submitter. Criteria: Ambry Variant Classification Scheme 2023. Collection method: clinical testing. Allele origin: germline.
Comment: The p.P333A variant (also known as c.997C>G), located in coding exon 9 of the FAM175A gene, results from a C to G substitution at nucleotide position 997. The proline at codon 333 is replaced by alanine, an amino acid with highly similar properties. This amino acid position is conserved. In addition, this alteration is predicted to be tolerated by in silico analysis. Since supporting evidence is limited at this time, the clinical significance of this alteration remains unclear.